The following is an entry in ClinVar:

ClinVar aggregate classification (germline): Likely benign (1 of 4 stars; one submission).

Allele frequency attached by ClinVar (database versions not stated): ExAC 0.00072; TOPMed 0.00077; gnomAD 0.00083; ESP Exome Variant Server 0.00108; gnomAD exomes 0.00142.
gnomAD v4.1: 2,201 of 1,613,856 alleles (0.14%); highest among the groups gnomAD compares: Non-Finnish European, 0.18%; 4 homozygotes.

Submission:

CeGaT Center for Human Genetics Tuebingen
Classification: Likely benign. Last evaluated: 2022-09-01. Review status: criteria provided, single submitter. Criteria: CeGaT Center For Human Genetics Tuebingen Variant Classification Criteria Version 2. Collection method: clinical testing. Allele origin: germline. Affected: yes. Observed: 1 variant allele.
Comment: OTUD4: BP4, BP7

NM_001366057.1(OTUD4):c.3030C>T (p.Asn1010=)

Gene: OTUD4 (OTU deubiquitinase 4; minus strand). Cytogenetic location: 4q31.21.
Variant type: single nucleotide variant.
Coding change: c.3030C>T on transcript NM_001366057.1 (MANE Select); coding-DNA position 3030, C replaced by T.
Protein change: p.Asn1010=; no amino-acid change (asparagine 1010 retained).
Molecular consequence: synonymous variant.
Genome position (GRCh38, 1-based): chr4:145,137,745, G>A on the plus strand (C>T on the coding strand, the complement: OTUD4 is on the minus strand). VCF-style: chr4-145137745-G-A. GRCh37 (hg19) VCF-style: chr4-146058897-G-A.
Other names: c.2835C>T, p.Asn945= (NM_001102653.1).
Identifiers: ClinVar variation 2655109 (VCV002655109.24), dbSNP rs139809652, ClinGen allele CA3094006.